The following is an entry in ClinVar:

NM_016373.4(WWOX):c.1175A>T (p.Glu392Val)

Genes: MAF (MAF bZIP transcription factor; minus strand), WWOX (WW domain containing oxidoreductase; plus strand). Cytogenetic location: 16q23.2.
Variant type: single nucleotide variant.
Coding change: c.1175A>T on transcript NM_016373.4 (MANE Select); coding-DNA position 1175, A replaced by T.
Protein change: p.Glu392Val; replaces glutamic acid 392 with valine.
Molecular consequence: missense variant.
Genome position (GRCh38, 1-based): chr16:79,211,726, A>T. VCF-style: chr16-79211726-A-T. GRCh37 (hg19) VCF-style: chr16-79245623-A-T.
Other names: c.836A>T, p.Glu279Val (NM_001291997.2); short protein forms E279V, E392V.
Identifiers: ClinVar variation 1432253 (VCV001432253.6), dbSNP rs1287638259, ClinGen allele CA396537216.
Genomic context (GRCh38, chr16:79,211,726, plus strand): 5'-GAGGGATGTACTTCAACAACTGCTGCCGCTGCATGCCCTCACCAGAAGCTCAGAGCGAAG[A>T]GACGGCCCGGACCCTGTGGGCGCTCAGCGAGAGGCTGATCCAAGAACGGCTTGGCAGCCA-3'
Protein context (NP_057457.1, residues 382-402): CMPSPEAQSE[Glu392Val]TARTLWALSE

ClinVar aggregate classification (germline): Uncertain significance (1 of 4 stars; one submission).

Conditions:
Developmental and epileptic encephalopathy, 1 (DEE1). Also called: X-Linked Infantile Spasm Syndrome; X-linked infantile spasms; West's syndrome; Tonic spasms with clustering, arrest of psychomotor development and hypsarrhythmia on EEG; OHTAHARA SYNDROME, X-LINKED; Epileptic encephalopathy, early infantile, 1. Identifiers: MedGen C3463992, MONDO:0010632, OMIM 308350. Disease mechanism: loss of function.
Autosomal recessive spinocerebellar ataxia 12. Also called: SPINOCEREBELLAR ATAXIA WITH MENTAL RETARDATION AND EPILEPSY. Identifiers: Orphanet 284282, MedGen C3280452, MONDO:0013687, OMIM 614322.

gnomAD v4.1: 5 of 1,614,226 alleles (0.00031%); highest among the groups gnomAD compares: Non-Finnish European, 0.00042%; no homozygotes.

Submission:

Labcorp Genetics (formerly Invitae), Labcorp
Classification: Uncertain significance for Developmental and epileptic encephalopathy, 1; Autosomal recessive spinocerebellar ataxia 12. Last evaluated: 2021-05-12. Review status: criteria provided, single submitter. Criteria: Invitae Variant Classification Sherloc (09022015). Collection method: clinical testing. Allele origin: germline.
Comment: This sequence change replaces glutamic acid with valine at codon 392 of the WWOX protein (p.Glu392Val). The glutamic acid residue is weakly conserved and there is a moderate physicochemical difference between glutamic acid and valine. This variant is not present in population databases (ExAC no frequency). This variant has not been reported in the literature in individuals with WWOX-related conditions. Algorithms developed to predict the effect of missense changes on protein structure and function output the following: SIFT: "Not Available"; PolyPhen-2: "Benign"; Align-GVGD: "Not Available". The valine amino acid residue is found in multiple mammalian species, suggesting that this missense change does not adversely affect protein function. These predictions have not been confirmed by published functional studies and their clinical significance is uncertain. In summary, the available evidence is currently insufficient to determine the role of this variant in disease. Therefore, it has been classified as a Variant of Uncertain Significance.